The following is an entry in ClinVar:

ClinVar aggregate classification (germline): Pathogenic. Review status: criteria provided, multiple submitters, no conflicts (2 of 4 stars). 2 submissions from 2 submitters: Pathogenic (2). Last evaluated 2024-06-06.

Conditions:
Cornelia de Lange syndrome 4 (CDLS4). Also called: RAD21-Related Cornelia de Lange Syndrome; CORNELIA DE LANGE SYNDROME 4 WITH OR WITHOUT MIDLINE BRAIN DEFECTS. Identifiers: Orphanet 199, MedGen C3553517, MONDO:0013864, OMIM 614701.

Allele frequency attached by ClinVar (database versions not stated): gnomAD exomes below 0.00001.

Submissions (2):

GeneDx
Classification: Pathogenic. Last evaluated: 2024-06-06. Review status: criteria provided, single submitter. Criteria: GeneDx Variant Classification Process June 2021. Collection method: clinical testing. Allele origin: germline. Affected: yes.
Comment: Frameshift variant predicted to result in abnormal protein length as the last 85 amino acids are replaced with 64 different amino acids, and other similar variants have been reported in HGMD; Not observed at significant frequency in large population cohorts (gnomAD); This variant is associated with the following publications: (PMID: 31334757, 32696056, 32193685)

Victorian Clinical Genetics Services, Murdoch Childrens Research Institute
Classification: Pathogenic for Cornelia de Lange syndrome 4. Last evaluated: 2022-03-31. Review status: criteria provided, single submitter. Criteria: ACMG Guidelines, 2015. Collection method: clinical testing. Allele origin: germline. Inheritance: Autosomal dominant inheritance.
Comment: Based on the classification scheme VCGS_Germline_v1.3.4, this variant is classified as Pathogenic. Following criteria are met: 0102 - Loss of function is a known mechanism of disease in this gene and is associated with Cornelia de Lange syndrome 4 (MIM#614701). (I) 0107 - This gene is associated with autosomal dominant disease. (I) 0115 - Variants in this gene are known to have variable expressivity (PMID: 31334757, PMID: 32193685). (I) 0205 - Variant is predicted to result in a truncated protein (premature termination codon is NOT located at least 54 nucleotides upstream of the final exon-exon junction) with less than 1/3 of the protein sequence affected. (SP) 0251 - This variant is heterozygous. (I) 0301 - Variant is absent from gnomAD (both v2 and v3). (SP) 0600 - Variant is located in the annotated SMC1A domain (PMID: 32193685). (I) 0702 - Other truncating variants comparable to the one identified in this case have strong previous evidence for pathogenicity. These variant has been reported multiple times as pathogenic and likely pathogenic, and have been reported in individuals with holoprosencephaly or Cornelia de Lange (CdL). These variants have been described as de novo, or were inherited from an affected parent (DECIPHER, PMID: 32193685, PMID: 32696056). (SP) 0802 - This variant has moderate previous evidence of pathogenicity in unrelated individuals. This variant has been reported as pathogenic (LOVD) and observed in a single individual with CdL where the variant was de novo (PMID: 32193685). (SP) 0905 - No published segregation evidence has been identified for this variant. (I) 1007 - No published functional evidence has been identified for this variant. (I) 1208 - Inheritance information for this variant is not currently available in this individual. (I) Legend: (SP) - Supporting pathogenic, (I) - Information, (SB) - Supporting benign

Literature cited by the submitters: PubMed 31334757 (cited by Victorian Clinical Genetics Services, Murdoch Childrens Research Institute); PubMed 32193685 (cited by Victorian Clinical Genetics Services, Murdoch Childrens Research Institute); PubMed 32696056 (cited by Victorian Clinical Genetics Services, Murdoch Childrens Research Institute).

NM_006265.3(RAD21):c.1635del (p.Gly547fs)

Gene: RAD21 (RAD21 cohesin complex component; minus strand). Cytogenetic location: 8q24.11.
Variant type: Deletion.
Coding change: c.1635del on transcript NM_006265.3 (MANE Select); coding-DNA position 1635, one base deleted (A; older notation c.1635delA).
Protein change: p.Gly547fs; shifts the reading frame from glycine 547.
Molecular consequence: frameshift variant.
Genome position (GRCh38, 1-based): chr8:116,849,015, T deleted on the plus strand (A on the coding strand, the reverse complement: RAD21 is on the minus strand). VCF-style (leftmost placement, unchanged base first): chr8-116849014-CT-C. GRCh37 (hg19) VCF-style: chr8-117861253-CT-C.
Other names: c.1635del (NM_006265.2); c.1635delA, p.Gly547Alafs (NM_006265.2); short protein forms G547fs.
Identifiers: ClinVar variation 1805433 (VCV001805433.2), dbSNP rs1164210703, ClinGen allele CA584814772.